The following is an entry in ClinVar:

ClinVar aggregate classification (germline): Pathogenic. Review status: criteria provided, multiple submitters, no conflicts (2 of 4 stars). 2 submissions from 2 submitters: Pathogenic (2). Last evaluated 2024-09-04.

Conditions:
Pheochromocytoma/paraganglioma syndrome 5. Also called: Paragangliomas 5; SDHA-Related Hereditary Paraganglioma-Pheochromocytoma Syndrome. Identifiers: Orphanet 29072, MedGen C3279992, MONDO:0013602, OMIM 614165.

Submissions (2):

GeneDx
Classification: Pathogenic. Last evaluated: 2024-09-04. Review status: criteria provided, single submitter. Criteria: GeneDx Variant Classification Process June 2021. Collection method: clinical testing. Allele origin: germline. Affected: yes.
Comment: Initiation codon variant in a gene for which loss of function is a known mechanism of disease; Not observed at significant frequency in large population cohorts (gnomAD); Has not been previously published as pathogenic or benign to our knowledge

St. Jude Molecular Pathology, St. Jude Children's Research Hospital
Classification: Pathogenic for Pheochromocytoma/paraganglioma syndrome 5. Last evaluated: 2024-07-29. Review status: criteria provided, single submitter. Criteria: St. Jude Assertion Criteria 2020. Collection method: clinical testing. Allele origin: germline. Affected: yes.
Comment: The SDHA c.1_2del; p.Met1? change results in a deletion of two nucleotides at positions 1-2 of exon 1 of the SDHA gene. This results in loss of the initiation codon in a gene for which loss-of-function is a known mechanism of disease. The closest in-frame start codon is codon 114. Different nucleotide changes that also disrupt the initiation codon have been reported in individuals with clinical features of hereditary paraganglioma- pheochromocytoma syndrome (PMID: 26722403, 28384794, 31413764). This variant is absent in gnomAD v2.1.1. In summary, this variant meets criteria to be classified as pathogenic.

NM_004168.4(SDHA):c.1_2del (p.Met1fs)

Gene: SDHA (succinate dehydrogenase complex flavoprotein subunit A; plus strand). Cytogenetic location: 5p15.33.
Variant type: Deletion.
Coding change: c.1_2del on transcript NM_004168.4 (MANE Select); coding-DNA positions 1 to 2, 2 bases deleted (AT; older notation c.1_2delAT).
Protein change: p.Met1fs; shifts the reading frame from methionine 1.
Molecular consequence: frameshift variant, initiator codon variant.
Genome position (GRCh38, 1-based): chr5:218,356-218,357, AT deleted. VCF-style (leftmost placement, unchanged base first): chr5-218355-CAT-C. GRCh37 (hg19) VCF-style: chr5-218470-CAT-C.
Other names: c.1_2del, p.Met1fs (NM_001294332.2, NM_001330758.2); c.1_2del (NM_004168.2); short protein forms M1fs.
Identifiers: ClinVar variation 3602705 (VCV003602705.2).